The following is an entry in ClinVar:

ClinVar aggregate classification (germline): Uncertain significance. Review status: criteria provided, multiple submitters, no conflicts (2 of 4 stars). 5 submissions from 5 submitters: Uncertain significance (5). Last evaluated 2026-01-07.

Conditions:
Familial thoracic aortic aneurysm and aortic dissection (TAAD). Also called: Thoracic aortic aneurysms and dissections. Identifiers: Orphanet 91387, MedGen C4707243, MONDO:0019625.
Loeys-Dietz syndrome 2 (LDS2). Also called: TGFBR2-Related Loeys-Dietz Syndrome; Marfan Syndrome type 2; Marfan like connective tissue disorder; MFS 2; Marfan syndrome, type 2 (formerly); AORTIC ANEURYSM, FAMILIAL THORACIC 3. Identifiers: Orphanet 284973, Orphanet 558, MedGen C2674574, MONDO:0012427, OMIM 610168.

gnomAD v4.1: 2 of 1,613,850 alleles (0.00012%); highest among the groups gnomAD compares: African/African-American, 0.0013%; no homozygotes.

Submissions (5):

Labcorp Genetics (formerly Invitae), Labcorp
Classification: Uncertain significance for Familial thoracic aortic aneurysm and aortic dissection. Last evaluated: 2026-01-07. Review status: criteria provided, single submitter. Criteria: Invitae Variant Classification Sherloc (09022015). Collection method: clinical testing. Allele origin: germline.
Comment: This sequence change replaces glutamic acid, which is acidic and polar, with lysine, which is basic and polar, at codon 152 of the TGFBR2 protein (p.Glu152Lys). This variant also falls at the last nucleotide of exon 3, which is part of the consensus splice site for this exon. This variant is not present in population databases (gnomAD no frequency). This variant has not been reported in the literature in individuals affected with TGFBR2-related conditions. ClinVar contains an entry for this variant (Variation ID: 213940). Invitae Evidence Modeling of protein sequence and biophysical properties (such as structural, functional, and spatial information, amino acid conservation, physicochemical variation, residue mobility, and thermodynamic stability) indicates that this missense variant is not expected to disrupt TGFBR2 protein function with a negative predictive value of 95%. Variants that disrupt the consensus splice site are a relatively common cause of aberrant splicing (PMID: 17576681, 9536098). Algorithms developed to predict the effect of sequence changes on RNA splicing suggest that this variant may create or strengthen a splice site. In summary, the available evidence is currently insufficient to determine the role of this variant in disease. Therefore, it has been classified as a Variant of Uncertain Significance.

Ambry Genetics
Classification: Uncertain significance for Familial thoracic aortic aneurysm and aortic dissection. Last evaluated: 2024-08-27. Review status: criteria provided, single submitter. Criteria: Ambry Variant Classification Scheme 2023. Collection method: clinical testing. Allele origin: germline.
Comment: The p.E152K variant (also known as c.454G>A), located in coding exon 3 of the TGFBR2 gene, results from a G to A substitution at nucleotide position 454. The amino acid change results in glutamic acid to lysine at codon 152, an amino acid with similar properties. However, this change occurs in the last base pair of coding exon 3, which makes it likely to have some effect on normal mRNA splicing. This nucleotide position is well conserved in available vertebrate species. In silico splice site analysis for this alteration is inconclusive. This amino acid position is well conserved in available vertebrate species. In addition, as a missense substitution this is predicted to be inconclusive by in silico analysis. Based on the available evidence, the clinical significance of this variant remains unclear.

All of Us Research Program, National Institutes of Health
Classification: Uncertain significance for Loeys-Dietz syndrome 2. Last evaluated: 2023-12-18. Review status: criteria provided, single submitter. Criteria: ACMG Guidelines, 2015. Collection method: clinical testing. Allele origin: germline. Inheritance: Autosomal dominant inheritance. Observed: 1 variant allele, 1 heterozygote.
Comment: This missense variant replaces glutamic acid with lysine at codon 152 of the TGFBR2 protein. Computational prediction suggests that this variant may not impact protein structure and function (internally defined REVEL score threshold <= 0.5, PMID: 27666373). To our knowledge, functional studies have not been reported for this variant. This variant has not been reported in individuals affected with TGFBR2-related disorders in the literature. This variant has not been identified in the general population by the Genome Aggregation Database (gnomAD). The available evidence is insufficient to determine the role of this variant in disease conclusively. Therefore, this variant is classified as a Variant of Uncertain Significance.

This study involves interpretation of variants in research participants for the purpose of population health screening. Participant phenotype was not available at the time of variant classification. Additional details can be found in publication PMID: 35346344, PMCID: PMC8962531

Color Diagnostics, LLC DBA Color Health
Classification: Uncertain significance for Familial thoracic aortic aneurysm and aortic dissection. Last evaluated: 2023-11-22. Review status: criteria provided, single submitter. Criteria: ACMG Guidelines, 2015. Collection method: clinical testing. Allele origin: germline.
Comment: This missense variant replaces glutamic acid with lysine at codon 152 of the TGFBR2 protein. Computational prediction suggests that this variant may not impact protein structure and function (internally defined REVEL score threshold <= 0.5, PMID: 27666373). To our knowledge, functional studies have not been reported for this variant. This variant has not been reported in individuals affected with TGFBR2-related disorders in the literature. This variant has not been identified in the general population by the Genome Aggregation Database (gnomAD). The available evidence is insufficient to determine the role of this variant in disease conclusively. Therefore, this variant is classified as a Variant of Uncertain Significance.

GeneDx
Classification: Uncertain significance. Last evaluated: 2014-12-04. Review status: criteria provided, single submitter. Criteria: GeneDx Variant Classification (06012015). Collection method: clinical testing. Allele origin: germline. Affected: yes.
Comment: The E152K variant has not been published as a mutation or as a benign polymorphism to our knowledge. The E152K variant was not observed in approximately 6,500 individuals of European and African American ancestry in the NHLBI Exome Sequencing Project, indicating it is not a common benign variant in these populations. The E152K variant is a non-conservative amino acid substitution, which is likely to impact secondary protein structure as these residues differ in polarity, charge, size and/or other properties. This substitution occurs at a position that is conserved in mammals. In silico analysis predicts this variant is probably damaging to the protein structure/function. However, no missense mutations in nearby residues have been reported in association with TAAD-related disorders, indicating this region of the protein may be tolerant of change. Therefore, based on the currently available information, it is unclear whether this variant is a pathogenic mutation or a rare benign variant. This variant was found in TAADV2-1

Literature cited by the submitters: PubMed 17576681 (cited by Labcorp Genetics (formerly Invitae), Labcorp); PubMed 9536098 (cited by Labcorp Genetics (formerly Invitae), Labcorp).

NM_003242.6(TGFBR2):c.454G>A (p.Glu152Lys)

Gene: TGFBR2 (transforming growth factor beta receptor 2; plus strand). Cytogenetic location: 3p24.1.
Variant type: single nucleotide variant.
Coding change: c.454G>A on transcript NM_003242.6 (MANE Select); coding-DNA position 454, G replaced by A.
Protein change: p.Glu152Lys; replaces glutamic acid 152 with lysine.
Molecular consequence: missense variant.
Genome position (GRCh38, 1-based): chr3:30,650,460, G>A. VCF-style: chr3-30650460-G-A. GRCh37 (hg19) VCF-style: chr3-30691952-G-A.
Other names: p.E152K:GAA>AAA; c.529G>A, p.Glu177Lys (NM_001024847.3); c.529G>A, p.Gly177Ser (NM_001407126.1); c.454G>A, p.Gly152Ser (NM_001407127.1); c.481G>A, p.Glu161Lys (NM_001407128.1); c.349G>A, p.Gly117Ser (NM_001407129.1); c.454G>A, p.Glu152Lys (NM_001407130.1); c.349G>A, p.Glu117Lys (NM_001407132.1, NM_001407133.1, NM_001407134.1 and 2 more transcripts); and 1 more; short protein forms E152K, E177K, E117K, E161K, G117S, G152S, V177I, G177S.
Identifiers: ClinVar variation 213940 (VCV000213940.10), dbSNP rs778675253, ClinGen allele CA325169.